The following is an entry in ClinVar:

NM_000393.5(COL5A2):c.4422C>G (p.Ile1474Met)

Gene: COL5A2 (collagen type V alpha 2 chain; minus strand). Cytogenetic location: 2q32.2.
Variant type: single nucleotide variant.
Coding change: c.4422C>G on transcript NM_000393.5 (MANE Select); coding-DNA position 4422, C replaced by G.
Protein change: p.Ile1474Met; replaces isoleucine 1474 with methionine.
Molecular consequence: missense variant.
Genome position (GRCh38, 1-based): chr2:189,034,148, G>C on the plus strand (C>G on the coding strand, the complement: COL5A2 is on the minus strand). VCF-style: chr2-189034148-G-C. GRCh37 (hg19) VCF-style: chr2-189898874-G-C.
Other names: c.4422C>G (NM_000393.4); short protein forms I1474M.
Identifiers: ClinVar variation 1804519 (VCV001804519.2), dbSNP rs1685395368, ClinGen allele CA349854539.

ClinVar aggregate classification (germline): Uncertain significance. Review status: criteria provided, multiple submitters, no conflicts (2 of 4 stars). 2 submissions from 2 submitters: Uncertain significance (2). Last evaluated 2023-07-21.

Allele frequency attached by ClinVar (database versions not stated): gnomAD 0.00001.
gnomAD v4.1: 1 of 1,613,872 alleles (0.000062%); highest among the groups gnomAD compares: Non-Finnish European, 0.000085%; no homozygotes.

Submissions (2):

Women's Health and Genetics/Laboratory Corporation of America, LabCorp
Classification: Uncertain significance. Last evaluated: 2023-07-21. Review status: criteria provided, single submitter. Criteria: LabCorp Variant Classification Summary - May 2015. Collection method: clinical testing. Allele origin: germline.

GeneDx
Classification: Uncertain significance. Last evaluated: 2022-06-15. Review status: criteria provided, single submitter. Criteria: GeneDx Variant Classification Process June 2021. Collection method: clinical testing. Allele origin: germline. Affected: yes.
Comment: Has not been previously published as pathogenic or benign to our knowledge; Not observed at significant frequency in large population cohorts (gnomAD); In silico analysis supports that this missense variant does not alter protein structure/function; Not located in the triple helical region, where the majority of pathogenic missense variants occur (Symoens et al., 2012; HGMD); This variant is associated with the following publications: (PMID: 22696272)